The following is an entry in ClinVar:

ClinVar aggregate classification (germline): Uncertain significance (1 of 4 stars; one submission).

Conditions:
Long QT syndrome (LQTS). Identifiers: MedGen C0023976, MeSH D008133, MONDO:0002442. Disease mechanism: loss of function. Inheritance: Various modes of inheritance.

Submission:

Labcorp Genetics (formerly Invitae), Labcorp
Classification: Uncertain significance for Long QT syndrome. Last evaluated: 2022-08-16. Review status: criteria provided, single submitter. Criteria: Invitae Variant Classification Sherloc (09022015). Collection method: clinical testing. Allele origin: germline.
Comment: In summary, the available evidence is currently insufficient to determine the role of this variant in disease. Therefore, it has been classified as a Variant of Uncertain Significance. Variants that disrupt the consensus splice site are a relatively common cause of aberrant splicing (PMID: 17576681, 9536098). Algorithms developed to predict the effect of sequence changes on RNA splicing suggest that this variant may disrupt the consensus splice site. ClinVar contains an entry for this variant (Variation ID: 646740). This variant has not been reported in the literature in individuals affected with CACNA1C-related conditions. This variant is not present in population databases (gnomAD no frequency). This sequence change falls in intron 46 of the CACNA1C gene. It does not directly change the encoded amino acid sequence of the CACNA1C protein. It affects a nucleotide within the consensus splice site.

Literature cited by the submitters: PubMed 17576681; PubMed 9536098.

NM_000719.7(CACNA1C):c.6117+5G>C

Genes: CACNA1C (calcium voltage-gated channel subunit alpha1 C; plus strand), CACNA1C-AS1 (CACNA1C antisense RNA 1; minus strand). Cytogenetic location: 12p13.33.
Variant type: single nucleotide variant.
Coding change: c.6117+5G>C on transcript NM_000719.7 (MANE Select); 5 bases into the intron after coding-DNA position 6117, G replaced by C.
Molecular consequence: intron variant.
Genome position (GRCh38, 1-based): chr12:2,688,784, G>C. VCF-style: chr12-2688784-G-C. GRCh37 (hg19) VCF-style: chr12-2797950-G-C.
Other names: c.6222+5G>C (NM_001167624.3, NM_001129830.3); c.6117+5G>C (NM_001167623.2, NM_001129840.2, NM_001129842.2 and 2 more transcripts); c.6297+5G>C (NM_001167625.2); c.6366+5G>C (NM_199460.4); c.6261+5G>C (NM_001129827.2); c.6177+5G>C (NM_001129832.2); c.6201+5G>C (NM_001129831.2); c.6174+5G>C (NM_001129833.2, NM_001129834.2, NM_001129835.2); and 6 more.
Identifiers: ClinVar variation 646740 (VCV000646740.7), dbSNP rs1603467251, ClinGen allele CA915947869.